The following is an entry in ClinVar:

NM_002838.5(PTPRC):c.1052A>G (p.Asn351Ser)

Gene: PTPRC (protein tyrosine phosphatase receptor type C; plus strand). Cytogenetic location: 1q32.1.
Variant type: single nucleotide variant.
Coding change: c.1052A>G on transcript NM_002838.5 (MANE Select); coding-DNA position 1052, A replaced by G.
Protein change: p.Asn351Ser; replaces asparagine 351 with serine.
Molecular consequence: missense variant.
Genome position (GRCh38, 1-based): chr1:198,709,705, A>G. VCF-style: chr1-198709705-A-G. GRCh37 (hg19) VCF-style: chr1-198678834-A-G.
Other names: c.569A>G, p.Asn190Ser (NM_080921.4); short protein forms N351S, N190S.
Identifiers: ClinVar variation 378445 (VCV000378445.21), dbSNP rs79141749, ClinGen allele CA1314697.

ClinVar aggregate classification (germline): Benign/Likely benign. Review status: criteria provided, multiple submitters, no conflicts (2 of 4 stars). 6 submissions from 6 submitters: Benign (3); Likely benign (2). 1 of the submissions does not count toward it. Last evaluated 2026-02-02.

Conditions:
Hepatitis C virus, susceptibility to. Also called: HCV, SUSCEPTIBILITY TO. Identifiers: MedGen C1835407, MONDO:0012292, OMIM 609532.
Immunodeficiency 104. Also called: SCID, AUTOSOMAL RECESSIVE, T CELL-NEGATIVE, B CELL-POSITIVE, NK CELL-POSITIVE; Severe combined immunodeficiency, autosomal recessive, T cell-negative, B cell-positive, NK cell-positive; Severe Combined Immune Deficiency, Autosomal Recessive, TCell -Negative, B Cell-Positive, NK Cell-Positive, IL7R-Related; IMMUNODEFICIENCY 104, SEVERE COMBINED. Identifiers: MedGen C5676890, MONDO:0012163, OMIM 608971.
PTPRC-related disorder. Also called: PTPRC-related condition.

Allele frequency attached by ClinVar (database versions not stated): gnomAD exomes 0.00093 and 0.00254; ExAC 0.00315; gnomAD 0.00903 and 0.00956; ESP Exome Variant Server 0.00910; TOPMed 0.00996; 1000 Genomes Project 0.01358; 1000 Genomes Project 30x 0.01483.

Submissions (10):

Labcorp Genetics (formerly Invitae), Labcorp
Classification: Benign for Immunodeficiency 104. Last evaluated: 2026-02-02. Review status: criteria provided, single submitter. Criteria: Invitae Variant Classification Sherloc (09022015). Collection method: clinical testing. Allele origin: germline.

Women's Health and Genetics/Laboratory Corporation of America, LabCorp
Classification: Likely benign. Last evaluated: 2026-01-22. Review status: criteria provided, single submitter. Criteria: LabCorp Variant Classification Summary - May 2015. Collection method: clinical testing. Allele origin: germline.

Fulgent Genetics
Classification: Likely benign for Immunodeficiency 104; Hepatitis C virus, susceptibility to. Last evaluated: 2022-01-17. Review status: criteria provided, single submitter. Criteria: ACMG Guidelines, 2015. Collection method: clinical testing. Allele origin: unknown.

GeneDx
Classification: Benign. Last evaluated: 2016-06-15. Review status: criteria provided, single submitter. Criteria: GeneDx Variant Classification (06012015). Collection method: clinical testing. Allele origin: germline. Affected: yes.
Comment: This variant is considered likely benign or benign based on one or more of the following criteria: it is a conservative change, it occurs at a poorly conserved position in the protein, it is predicted to be benign by multiple in silico algorithms, and/or has population frequency not consistent with disease.

Breakthrough Genomics
Classification: Benign. Review status: criteria provided, single submitter. Criteria: ACMG Guidelines, 2015. Collection method: not provided. Allele origin: germline. Inheritance: Autosomal recessive inheritance. Affected: yes.

PreventionGenetics, part of Exact Sciences
Classification: Benign for PTPRC-related condition. Last evaluated: 2019-07-01. Review status: no assertion criteria provided. Collection method: clinical testing. Allele origin: germline. Not counted in ClinVar's aggregate classification.
Comment: This variant is classified as benign based on ACMG/AMP sequence variant interpretation guidelines (Richards et al. 2015 PMID: 25741868, with internal and published modifications).

Dr. Peter K. Rogan Lab, Western University
No classification provided (evidence only). Condition: Acute myeloid leukemia. Review status: no classification provided. Collection method: in vitro. Allele origin: not applicable. Functional consequence: retained intron. Not counted in ClinVar's aggregate classification.

Dr. Peter K. Rogan Lab, Western University
No classification provided (evidence only). Condition: Acute myeloid leukemia. Review status: no classification provided. Collection method: in vitro. Allele origin: not applicable. Functional consequence: skipped exon. Not counted in ClinVar's aggregate classification.

Dr. Peter K. Rogan Lab, Western University
No classification provided (evidence only). Condition: Uterine corpus endometrial carcinoma. Review status: no classification provided. Collection method: in vitro. Allele origin: not applicable. Functional consequence: retained intron. Not counted in ClinVar's aggregate classification.

Dr. Peter K. Rogan Lab, Western University
No classification provided (evidence only). Condition: Malignant tumor of esophagus. Review status: no classification provided. Collection method: in vitro. Allele origin: not applicable. Functional consequence: skipped exon. Not counted in ClinVar's aggregate classification.